The following is an entry in ClinVar:

NM_004606.5(TAF1):c.3103A>G (p.Thr1035Ala)

Gene: TAF1 (TATA-box binding protein associated factor 1; plus strand). Cytogenetic location: Xq13.1.
Variant type: single nucleotide variant.
Coding change: c.3103A>G on transcript NM_004606.5 (MANE Select); coding-DNA position 3103, A replaced by G.
Protein change: p.Thr1035Ala; replaces threonine 1035 with alanine.
Molecular consequence: missense variant. On other transcripts: non-coding transcript variant (9).
Genome position (GRCh38, 1-based): chrX:71,393,352, A>G. VCF-style: chrX-71393352-A-G. GRCh37 (hg19) VCF-style: chrX-70613202-A-G.
Other names: c.3103A>G, p.Thr1035Ala (NM_001286074.2); c.3040A>G, p.Thr1014Ala (NM_138923.4); short protein forms T1014A, T1035A.
Identifiers: ClinVar variation 3661305 (VCV003661305.2).

ClinVar aggregate classification (germline): Uncertain significance (1 of 4 stars; one submission).

Submission:

Labcorp Genetics (formerly Invitae), Labcorp
Classification: Uncertain significance. Last evaluated: 2024-09-23. Review status: criteria provided, single submitter. Criteria: Invitae Variant Classification Sherloc (09022015). Collection method: clinical testing. Allele origin: germline.
Comment: This sequence change replaces threonine, which is neutral and polar, with alanine, which is neutral and non-polar, at codon 1055 of the TAF1 protein (p.Thr1055Ala). This variant is not present in population databases (gnomAD no frequency). This variant has not been reported in the literature in individuals affected with TAF1-related conditions. Invitae Evidence Modeling of protein sequence and biophysical properties (such as structural, functional, and spatial information, amino acid conservation, physicochemical variation, residue mobility, and thermodynamic stability) indicates that this missense variant is expected to disrupt TAF1 protein function with a positive predictive value of 80%. In summary, the available evidence is currently insufficient to determine the role of this variant in disease. Therefore, it has been classified as a Variant of Uncertain Significance.